The following is an entry in ClinVar:

ClinVar aggregate classification (germline): Pathogenic. Review status: criteria provided, multiple submitters, no conflicts (2 of 4 stars). 4 submissions from 4 submitters: Pathogenic (4). Last evaluated 2026-08-31.

Conditions:
CPOX-related disorder. Also called: CPOX-related condition; CPOX-related disorders.

Allele frequency attached by ClinVar (database versions not stated): gnomAD exomes below 0.00001 and 0.00001; gnomAD 0.00001; ExAC 0.00002; 1000 Genomes Project 30x 0.00016; 1000 Genomes Project 0.00020.
gnomAD v4.1: 9 of 1,613,502 alleles (0.00056%); highest among the groups gnomAD compares: Admixed American, 0.012%; no homozygotes.

Submissions (4):

PreventionGenetics, part of Exact Sciences
Classification: Pathogenic for CPOX-related condition. Last evaluated: 2026-08-31. Review status: criteria provided, single submitter. Criteria: ACMG Guidelines, 2015. Collection method: clinical testing. Allele origin: germline.
Comment: The CPOX c.717T>A variant is predicted to result in premature protein termination (p.Cys239*). This variant was reported in an individual with autosomal dominant coproporphyria (Borrero Corte et al. 2019. PubMed ID: 30476629). This variant is reported in 0.0058% of alleles in individuals of Latino descent in gnomAD. Nonsense variants in CPOX are expected to be pathogenic. This variant is interpreted as pathogenic.

Labcorp Genetics (formerly Invitae), Labcorp
Classification: Pathogenic. Last evaluated: 2024-12-24. Review status: criteria provided, single submitter. Criteria: Invitae Variant Classification Sherloc (09022015). Collection method: clinical testing. Allele origin: germline.
Comment: This sequence change creates a premature translational stop signal (p.Cys239*) in the CPOX gene. It is expected to result in an absent or disrupted protein product. Loss-of-function variants in CPOX are known to be pathogenic (PMID: 9888388). This variant is present in population databases (rs576756431, gnomAD 0.006%). This premature translational stop signal has been observed in individual(s) with coproporphyria (PMID: 30476629). ClinVar contains an entry for this variant (Variation ID: 656587). For these reasons, this variant has been classified as Pathogenic.

Dasa
Classification: Pathogenic. Last evaluated: 2024-06-18. Review status: criteria provided, single submitter. Criteria: DASA Assertion Criteria. Collection method: clinical testing. Allele origin: germline.
Comment: NM_000097.7(CPOX):c.717T>A (p.Cys239*) introduces a premature termination codon predicted to result in loss of normal protein function. Loss-of-function is an established mechanism of disease for this gene. Based on the available data, this variant is classified as pathogenic.

Blueprint Genetics
Classification: Pathogenic for CPOX-related disorders. Last evaluated: 2020-09-04. Review status: criteria provided, single submitter. Criteria: ACMG Guidelines, 2015. Collection method: clinical testing. Allele origin: germline. Affected: yes. Observed: 3 variant alleles.

Literature cited by the submitters: PubMed 9888388 (cited by Labcorp Genetics (formerly Invitae), Labcorp); PubMed 30476629 (cited by Labcorp Genetics (formerly Invitae), Labcorp).

NM_000097.7(CPOX):c.717T>A (p.Cys239Ter)

Gene: CPOX (coproporphyrinogen oxidase; minus strand). Cytogenetic location: 3q11.2.
Variant type: single nucleotide variant.
Coding change: c.717T>A on transcript NM_000097.7 (MANE Select); coding-DNA position 717, T replaced by A.
Protein change: p.Cys239Ter; replaces cysteine 239 with a stop codon.
Molecular consequence: nonsense.
Genome position (GRCh38, 1-based): chr3:98,590,726, A>T on the plus strand (T>A on the coding strand, the complement: CPOX is on the minus strand). VCF-style: chr3-98590726-A-T. GRCh37 (hg19) VCF-style: chr3-98309570-A-T.
Other names: c.717T>A, p.Cys239Ter (LRG_1077t1); short protein forms C239*.
Identifiers: ClinVar variation 656587 (VCV000656587.9), dbSNP rs576756431, ClinGen allele CA2511626.